The following is an entry in ClinVar:

ClinVar aggregate classification (germline): Benign/Likely benign. Review status: criteria provided, multiple submitters, no conflicts (2 of 4 stars). 3 submissions from 3 submitters: Benign (1); Likely benign (2). Last evaluated 2018-12-10.

Conditions:
Autosomal recessive nonsyndromic hearing loss 30. Identifiers: Orphanet 90636, MedGen C1846784, MONDO:0011774, OMIM 607101.

Allele frequency attached by ClinVar (database versions not stated): gnomAD exomes 0.00326; gnomAD 0.02109 and 0.02237; 1000 Genomes Project 0.02356; TOPMed 0.02460; 1000 Genomes Project 30x 0.02530.
gnomAD v4.1: 4,524 of 539,526 alleles (0.84%); highest among the groups gnomAD compares: African/African-American, 7.1%; 164 homozygotes.

Submissions (3):

GeneDx
Classification: Benign. Last evaluated: 2018-12-10. Review status: criteria provided, single submitter. Criteria: GeneDx Variant Classification Process June 2021. Collection method: clinical testing. Allele origin: germline. Affected: yes.

Illumina Laboratory Services, Illumina
Classification: Likely benign for Autosomal recessive nonsyndromic hearing loss 30. Last evaluated: 2018-01-13. Review status: criteria provided, single submitter. Criteria: ICSL Variant Classification Criteria 13 December 2019. Collection method: clinical testing. Allele origin: germline.
Comment: This variant was observed in the ICSL laboratory as part of a predisposition screen in an ostensibly healthy population. It had not been previously curated by ICSL or reported in the Human Gene Mutation Database (HGMD: prior to June 1st, 2018), and was therefore a candidate for classification through an automated scoring system. Utilizing variant allele frequency, disease prevalence and penetrance estimates, and inheritance mode, an automated score was calculated to assess if this variant is too frequent to cause the disease. Based on the score and internal cut-off values, a variant classified as likely benign is not then subjected to further curation. The score for this variant resulted in a classification of likely benign for this disease.

Breakthrough Genomics
Classification: Likely benign. Review status: criteria provided, single submitter. Criteria: ACMG Guidelines, 2015. Collection method: not provided. Allele origin: germline. Inheritance: Autosomal recessive inheritance. Affected: yes.

NM_017433.5(MYO3A):c.*246C>T

Gene: MYO3A (myosin IIIA; plus strand). Cytogenetic location: 10p12.1.
Variant type: single nucleotide variant.
Coding change: c.*246C>T on transcript NM_017433.5 (MANE Select); 246 bases downstream of the stop codon, C replaced by T.
Molecular consequence: 3 prime UTR variant.
Genome position (GRCh38, 1-based): chr10:26,212,209, C>T. VCF-style: chr10-26212209-C-T. GRCh37 (hg19) VCF-style: chr10-26501138-C-T.
Identifiers: ClinVar variation 299683 (VCV000299683.8), dbSNP rs12261671, ClinGen allele CA10631520.